The following is an entry in ClinVar:

ClinVar aggregate classification (germline): Uncertain significance (1 of 4 stars; one submission).

Allele frequency attached by ClinVar (database versions not stated): gnomAD exomes below 0.00001.
gnomAD v4.1: 1 of 1,611,570 alleles (0.000062%); highest among the groups gnomAD compares: Non-Finnish European, 0.000085%; no homozygotes.

Submission:

Labcorp Genetics (formerly Invitae), Labcorp
Classification: Uncertain significance. Last evaluated: 2021-06-24. Review status: criteria provided, single submitter. Criteria: Invitae Variant Classification Sherloc (09022015). Collection method: clinical testing. Allele origin: germline.
Comment: In summary, the available evidence is currently insufficient to determine the role of this variant in disease. Therefore, it has been classified as a Variant of Uncertain Significance. Algorithms developed to predict the effect of missense changes on protein structure and function are either unavailable or do not agree on the potential impact of this missense change (SIFT: "Deleterious"; PolyPhen-2: "Benign"; Align-GVGD: "Class C0"). This variant has not been reported in the literature in individuals with DNM1L-related conditions. This variant is not present in population databases (ExAC no frequency). This sequence change replaces serine with leucine at codon 358 of the DNM1L protein (p.Ser358Leu). The serine residue is moderately conserved and there is a large physicochemical difference between serine and leucine.

NM_012062.5(DNM1L):c.1073C>T (p.Ser358Leu)

Gene: DNM1L (dynamin 1 like; plus strand). Cytogenetic location: 12p11.21.
Variant type: single nucleotide variant.
Coding change: c.1073C>T on transcript NM_012062.5 (MANE Select); coding-DNA position 1073, C replaced by T.
Protein change: p.Ser358Leu; replaces serine 358 with leucine.
Molecular consequence: missense variant.
Genome position (GRCh38, 1-based): chr12:32,722,627, C>T. VCF-style: chr12-32722627-C-T. GRCh37 (hg19) VCF-style: chr12-32875561-C-T.
Other names: c.1073C>T, p.Ser358Leu (NM_001278463.2, NM_005690.5, NM_012063.4); c.1112C>T, p.Ser371Leu (NM_001278464.2, NM_001278465.2, NM_001330380.2); c.464C>T, p.Ser155Leu (NM_001278466.2); short protein forms S371L, S155L, S358L.
Identifiers: ClinVar variation 1498772 (VCV001498772.8), dbSNP rs2137446146, ClinGen allele CA384371479.